The following is an entry in ClinVar:

NM_001385875.1(ZFYVE27):c.*1074C>G

Gene: ZFYVE27 (zinc finger FYVE-type containing 27; plus strand). Cytogenetic location: 10q24.2.
Variant type: single nucleotide variant.
Coding change: c.*1074C>G on transcript NM_001385875.1 (MANE Select); 1074 bases downstream of the stop codon, C replaced by G.
Molecular consequence: 3 prime UTR variant. On other transcripts: non-coding transcript variant (17).
Genome position (GRCh38, 1-based): chr10:97,760,374, C>G. VCF-style: chr10-97760374-C-G. GRCh37 (hg19) VCF-style: chr10-99520131-C-G.
Other names: c.*1074C>G (NM_001002261.4, NM_001002262.4, NM_001174119.2 and 39 more transcripts).
Identifiers: ClinVar variation 301854 (VCV000301854.5), dbSNP rs543023183, ClinGen allele CA10629572.

ClinVar aggregate classification (germline): Likely benign (1 of 4 stars; one submission).

Conditions:
Hereditary spastic paraplegia 33. Also called: SPASTIC PARAPLEGIA 33, AUTOSOMAL DOMINANT. Identifiers: MedGen C1853251, MONDO:0012448, OMIM 610244.

Allele frequency attached by ClinVar (database versions not stated): gnomAD 0.00003; TOPMed 0.00013; 1000 Genomes Project 30x 0.00078; 1000 Genomes Project 0.00100.

Submission:

Illumina Laboratory Services, Illumina
Classification: Likely benign for Hereditary spastic paraplegia 33. Last evaluated: 2018-01-13. Review status: criteria provided, single submitter. Criteria: ICSL Variant Classification Criteria 13 December 2019. Collection method: clinical testing. Allele origin: germline.
Comment: This variant was observed in the ICSL laboratory as part of a predisposition screen in an ostensibly healthy population. It had not been previously curated by ICSL or reported in the Human Gene Mutation Database (HGMD: prior to June 1st, 2018), and was therefore a candidate for classification through an automated scoring system. Utilizing variant allele frequency, disease prevalence and penetrance estimates, and inheritance mode, an automated score was calculated to assess if this variant is too frequent to cause the disease. Based on the score and internal cut-off values, a variant classified as likely benign is not then subjected to further curation. The score for this variant resulted in a classification of likely benign for this disease.